The following is an entry in ClinVar:

ClinVar aggregate classification (germline): Uncertain significance (1 of 4 stars; one submission).

Conditions:
Amyotrophic lateral sclerosis type 6. Also called: FUS-Related Amyotrophic Laterial Sclerosis; AMYOTROPHIC LATERAL SCLEROSIS 6 WITHOUT FRONTOTEMPORAL DEMENTIA; Amyotrophic lateral sclerosis 6, with or without frontotemporal dementia. Identifiers: Orphanet 275872, Orphanet 803, MedGen C2931786, MONDO:0011951, OMIM 608030.
Tremor, hereditary essential, 4 (ETM4). Identifiers: MedGen C3539195, MONDO:0013888, OMIM 614782.

Submission:

Labcorp Genetics (formerly Invitae), Labcorp
Classification: Uncertain significance for Tremor, hereditary essential, 4; Amyotrophic lateral sclerosis type 6. Last evaluated: 2025-12-21. Review status: criteria provided, single submitter. Criteria: Invitae Variant Classification Sherloc (09022015). Collection method: clinical testing. Allele origin: germline.
Comment: This sequence change replaces arginine, which is basic and polar, with glutamine, which is neutral and polar, at codon 495 of the FUS protein (p.Arg495Gln). This variant is not present in population databases (gnomAD no frequency). This variant has not been reported in the literature in individuals affected with FUS-related conditions. An algorithm developed to predict the effect of missense changes on protein structure and function (PolyPhen-2) suggests that this variant is likely to be disruptive. In summary, the available evidence is currently insufficient to determine the role of this variant in disease. Therefore, it has been classified as a Variant of Uncertain Significance.

NM_004960.4(FUS):c.1484G>A (p.Arg495Gln)

Gene: FUS (FUS RNA binding protein; plus strand). Cytogenetic location: 16p11.2.
Variant type: single nucleotide variant.
Coding change: c.1484G>A on transcript NM_004960.4 (MANE Select); coding-DNA position 1484, G replaced by A.
Protein change: p.Arg495Gln; replaces arginine 495 with glutamine.
Molecular consequence: missense variant. On other transcripts: non-coding transcript variant (1).
Genome position (GRCh38, 1-based): chr16:31,191,053, G>A. VCF-style: chr16-31191053-G-A. GRCh37 (hg19) VCF-style: chr16-31202374-G-A.
Other names: c.1481G>A, p.Arg494Gln (NM_001170634.1); c.1472G>A, p.Arg491Gln (NM_001170937.1); short protein forms R495Q, R491Q, R494Q.
Identifiers: ClinVar variation 4783114 (VCV004783114.1).